The following is an entry in ClinVar:

NM_001038.6(SCNN1A):c.312_314del (p.Leu105del)

Gene: SCNN1A (sodium channel epithelial 1 subunit alpha; minus strand). Cytogenetic location: 12p13.31.
Variant type: Deletion.
Coding change: c.312_314del on transcript NM_001038.6 (MANE Select); coding-DNA positions 312 to 314, 3 bases deleted (GCT; older notation c.312_314delGCT).
Protein change: p.Leu105del; deletes leucine 105.
Molecular consequence: inframe deletion.
Genome position (GRCh38, 1-based): chr12:6,374,470-6,374,472, AGC deleted on the plus strand (GCT on the coding strand, the reverse complement: SCNN1A is on the minus strand); deleting any 3 consecutive bases within chr12:6,374,470-6,374,474 gives the same sequence; the c. name uses the placement nearest the transcript's 3' end. VCF-style (leftmost placement, unchanged base first): chr12-6374469-AAGC-A. GRCh37 (hg19) VCF-style: chr12-6483635-AAGC-A.
Other names: c.381_383del, p.Leu128del (NM_001159575.2); c.489_491del, p.Leu164del (NM_001159576.2); short protein forms L105del, L128del, L164del.
Identifiers: ClinVar variation 4884041 (VCV004884041.2).

ClinVar aggregate classification (germline): Uncertain significance (1 of 4 stars; one submission).

Submission:

Dasa
Classification: Uncertain significance. Last evaluated: 2025-12-18. Review status: criteria provided, single submitter. Criteria: DASA Assertion Criteria. Collection method: clinical testing. Allele origin: germline.
Comment: NM_001038.6(SCNN1A):c.312_314del (p.Leu105del) is an in-frame deletion predicted to remove leucine at protein position 105 without shifting the reading frame. This variant is rare in population databases. The currently available literature and clinical evidence are not sufficient to establish a definitive association between this variant and the reported condition. Therefore, this variant is classified as a variant of uncertain significance.